The following is an entry in ClinVar:

NM_015559.3(SETBP1):c.4366C>G (p.Arg1456Gly)

Gene: SETBP1 (SET binding protein 1; plus strand). Cytogenetic location: 18q12.3.
Variant type: single nucleotide variant.
Coding change: c.4366C>G on transcript NM_015559.3 (MANE Select); coding-DNA position 4366, C replaced by G.
Protein change: p.Arg1456Gly; replaces arginine 1456 with glycine.
Molecular consequence: missense variant.
Genome position (GRCh38, 1-based): chr18:45,063,273, C>G. VCF-style: chr18-45063273-C-G. GRCh37 (hg19) VCF-style: chr18-42643238-C-G.
Other names: c.4366C>G, p.Arg1456Gly (NM_001379141.1, NM_001379142.1); c.4195C>G, p.Arg1399Gly (NM_001410862.1); short protein forms R1399G, R1456G.
Identifiers: ClinVar variation 3572549 (VCV003572549.2).

ClinVar aggregate classification (germline): Likely pathogenic (1 of 4 stars; one submission).

Submission:

GeneDx
Classification: Likely pathogenic. Last evaluated: 2025-01-31. Review status: criteria provided, single submitter. Criteria: GeneDx Variant Classification Process June 2021. Collection method: clinical testing. Allele origin: germline.
Comment: Not observed at significant frequency in large population cohorts (gnomAD); In silico analysis supports that this missense variant has a deleterious effect on protein structure/function; Has not been previously published as pathogenic or benign to our knowledge